The following is an entry in ClinVar:

ClinVar aggregate classification (germline): Likely pathogenic (1 of 4 stars; one submission).

Conditions:
Intellectual developmental disorder, autosomal dominant 39. Also called: Intellectual disability, autosomal dominant 39; Mental retardation, autosomal dominant 39. Identifiers: MedGen C4225296, MONDO:0014678, OMIM 616521.

Allele frequency attached by ClinVar (database versions not stated): gnomAD exomes below 0.00001.
gnomAD v4.1: 3 of 1,614,066 alleles (0.00019%); highest among the groups gnomAD compares: Non-Finnish European, 0.00025%; no homozygotes.

Submission:

New York Genome Center
Classification: Likely pathogenic for Intellectual developmental disorder, autosomal dominant 39. Last evaluated: 2022-08-02. Review status: criteria provided, single submitter. Criteria: NYGC Assertion Criteria 2020. Collection method: clinical testing. Allele origin: de novo. Affected: yes. Observed: 1 heterozygote. Study: CSER-NYCKidSeq.
Comment: The c.682A>G (p.Asn228Asp) variant identified in the MYT1L gene substitutes a highly conserved aspartic acid for asparagine at amino acid 228/1185 (coding exon 10/25). This variant is absent from gnomAD and ExAC, suggesting it is not a common benign variant in the populations represented in these databases. In silico algorithms do not agree on the effect of this variant on the canonical transcript, as it is predicted both Neutral (Provean; score:-1.06) and Damaging (SIFT; score:0.008). It is absent from ClinVar and to our current knowledge has not been previously reported in affected individuals in the literature. The c.682A>G (p.Asn228Asp) variant in MYT1L is reported here as Likely Pathogenic.

NM_001303052.2(MYT1L):c.682A>G (p.Asn228Asp)

Gene: MYT1L (myelin transcription factor 1 like; minus strand). Cytogenetic location: 2p25.3.
Variant type: single nucleotide variant.
Coding change: c.682A>G on transcript NM_001303052.2 (MANE Select); coding-DNA position 682, A replaced by G.
Protein change: p.Asn228Asp; replaces asparagine 228 with aspartic acid.
Molecular consequence: missense variant.
Genome position (GRCh38, 1-based): chr2:1,923,087, T>C on the plus strand (A>G on the coding strand, the complement: MYT1L is on the minus strand). VCF-style: chr2-1923087-T-C. GRCh37 (hg19) VCF-style: chr2-1926859-T-C.
Other names: c.682A>G, p.Asn228Asp (NM_001329846.3, NM_001329847.2, NM_001329848.1 and 6 more transcripts); short protein forms N228D.
Identifiers: ClinVar variation 992746 (VCV000992746.2), dbSNP rs2053776375, ClinGen allele CA345707041.
Genomic context (GRCh38, chr2:1,923,087, plus strand): 5'-CACTTTTCCGACCCAGGTTTTCGTTTTTGTCACTATCGTCTTCCAGACTATTGGAGGTAT[T>C]GCTGTTCATTTCTGACTCAGTCCTGGCCCGGTAGGCTGCATCCTCAGCGATTTTGCCGAG-3'
Protein context (NP_001289981.1, residues 218-238): RARTESEMNS[Asn228Asp]TSNSLEDDSD